The following is an entry in ClinVar:

NM_014727.3(KMT2B):c.10G>A (p.Ala4Thr)

Gene: KMT2B (lysine methyltransferase 2B; plus strand). Cytogenetic location: 19q13.12.
Variant type: single nucleotide variant.
Coding change: c.10G>A on transcript NM_014727.3 (MANE Select); coding-DNA position 10, G replaced by A.
Protein change: p.Ala4Thr; replaces alanine 4 with threonine.
Molecular consequence: missense variant.
Genome position (GRCh38, 1-based): chr19:35,718,028, G>A. VCF-style: chr19-35718028-G-A. GRCh37 (hg19) VCF-style: chr19-36208930-G-A.
Other names: short protein forms A4T.
Identifiers: ClinVar variation 4781837 (VCV004781837.1).

ClinVar aggregate classification (germline): Uncertain significance (1 of 4 stars; one submission).

Submission:

Labcorp Genetics (formerly Invitae), Labcorp
Classification: Uncertain significance. Last evaluated: 2025-03-11. Review status: criteria provided, single submitter. Criteria: Invitae Variant Classification Sherloc (09022015). Collection method: clinical testing. Allele origin: germline.
Comment: This sequence change replaces alanine, which is neutral and non-polar, with threonine, which is neutral and polar, at codon 4 of the KMT2B protein (p.Ala4Thr). The frequency data for this variant in the population databases is considered unreliable, as metrics indicate insufficient coverage at this position in the gnomAD database. This variant has not been reported in the literature in individuals affected with KMT2B-related conditions. Invitae Evidence Modeling of protein sequence and biophysical properties (such as structural, functional, and spatial information, amino acid conservation, physicochemical variation, residue mobility, and thermodynamic stability) indicates that this missense variant is not expected to disrupt KMT2B protein function with a negative predictive value of 80%. In summary, the available evidence is currently insufficient to determine the role of this variant in disease. Therefore, it has been classified as a Variant of Uncertain Significance.